The following is an entry in ClinVar:

NM_001204316.1(PRLR):c.1086A>C (p.Gly362=)

Gene: PRLR (prolactin receptor; minus strand). Cytogenetic location: 5p13.2.
Variant type: single nucleotide variant.
Coding change: c.1086A>C on transcript NM_001204316.1; coding-DNA position 1086, A replaced by C.
Protein change: p.Gly362=; no amino-acid change (glycine 362 retained).
Molecular consequence: synonymous variant. On other transcripts: 3 prime UTR variant (1), non-coding transcript variant (1).
Genome position (GRCh38, 1-based): chr5:35,049,332, T>G on the plus strand (A>C on the coding strand, the complement: PRLR is on the minus strand). VCF-style: chr5-35049332-T-G. GRCh37 (hg19) VCF-style: chr5-35049437-T-G.
Other names: c.*65A>C (NM_001204317.1); c.762A>C, p.Gly254= (NM_001204318.1).
Identifiers: ClinVar variation 3052452 (VCV003052452.2), dbSNP rs199502944, ClinGen allele CA116925964.

ClinVar aggregate classification (germline): Likely benign (0 of 4 stars; one submission).

Conditions:
PRLR-related disorder. Also called: PRLR-related condition.

Allele frequency attached by ClinVar (database versions not stated): gnomAD 0.00011; TOPMed 0.00011; gnomAD exomes 0.00011.
gnomAD v4.1: 77 of 703,130 alleles (0.011%); highest among the groups gnomAD compares: Non-Finnish European, 0.016%; no homozygotes.

Submission:

PreventionGenetics, part of Exact Sciences
Classification: Likely benign for PRLR-related condition. Last evaluated: 2019-08-28. Review status: no assertion criteria provided. Collection method: clinical testing. Allele origin: germline.
Comment: This variant is classified as likely benign based on ACMG/AMP sequence variant interpretation guidelines (Richards et al. 2015 PMID: 25741868, with internal and published modifications).